The following is an entry in ClinVar:

NC_000006.11:g.(?_33096257)_(33142299_?)del

Gene: COL11A2 (collagen type XI alpha 2 chain; minus strand). Cytogenetic location: 6p21.32.
Variant type: Deletion.
Identifiers: ClinVar variation 3246242 (VCV003246242.1).

ClinVar aggregate classification (germline): Uncertain significance (1 of 4 stars; one submission).

Submission:

Labcorp Genetics (formerly Invitae), Labcorp
Classification: Uncertain significance. Last evaluated: 2023-07-27. Review status: criteria provided, single submitter. Criteria: Invitae Variant Classification Sherloc (09022015). Collection method: clinical testing. Allele origin: unknown.
Comment: This variant is a gross deletion of the genomic region encompassing exon(s) 32-66 of the COL11A2 gene, which includes the termination codon. This deletion extends beyond the assayed region for this gene and therefore may encompass additional genes. While this deletion is not anticipated to lead to nonsense mediated decay, it is expected to alter mRNA translation or result in a truncated protein product. This variant has not been reported in the literature in individuals affected with COL11A2-related conditions. Experimental studies and prediction algorithms are not available or were not evaluated, and the functional significance of this variant is currently unknown. In summary, the available evidence is currently insufficient to determine the role of this variant in disease. Therefore, it has been classified as a Variant of Uncertain Significance.